The following is an entry in ClinVar:

ClinVar aggregate classification (germline): Uncertain significance (1 of 4 stars; one submission).

Conditions:
Fanconi anemia complementation group E (FANCE). Also called: FANCE-Related Fanconi Anemia. Identifiers: Orphanet 84, MedGen C3160739, MONDO:0010953, OMIM 600901.

Submission:

Labcorp Genetics (formerly Invitae), Labcorp
Classification: Uncertain significance for Fanconi anemia complementation group E. Last evaluated: 2021-08-13. Review status: criteria provided, single submitter. Criteria: Invitae Variant Classification Sherloc (09022015). Collection method: clinical testing. Allele origin: germline.
Comment: This variant, c.691_693del, results in the deletion of 1 amino acid(s) of the FANCE protein (p.Lys231del), but otherwise preserves the integrity of the reading frame. This variant is not present in population databases (ExAC no frequency). This variant has not been reported in the literature in individuals affected with FANCE-related conditions. Experimental studies and prediction algorithms are not available or were not evaluated, and the functional significance of this variant is currently unknown. In summary, the available evidence is currently insufficient to determine the role of this variant in disease. Therefore, it has been classified as a Variant of Uncertain Significance.

NM_021922.3(FANCE):c.691_693del (p.Lys231del)

Gene: FANCE (FA complementation group E; plus strand). Cytogenetic location: 6p21.31.
Variant type: Deletion.
Coding change: c.691_693del on transcript NM_021922.3 (MANE Select); coding-DNA positions 691 to 693, 3 bases deleted (AAG; older notation c.691_693delAAG).
Protein change: p.Lys231del; deletes lysine 231.
Molecular consequence: inframe deletion.
Genome position (GRCh38, 1-based): chr6:35,456,189-35,456,191, AAG deleted; deleting any 3 consecutive bases within chr6:35,456,187-35,456,191 gives the same sequence; the c. name uses the placement nearest the transcript's 3' end. VCF-style (leftmost placement, unchanged base first): chr6-35456186-GAGA-G. GRCh37 (hg19) VCF-style: chr6-35423963-GAGA-G.
Other names: short protein forms K231del.
Identifiers: ClinVar variation 1499186 (VCV001499186.5), dbSNP rs1767333988, ClinGen allele CA1620905595.